The following is an entry in ClinVar:

NM_014804.3(KIAA0753):c.25A>G (p.Thr9Ala)

Gene: KIAA0753 (KIAA0753; minus strand). Cytogenetic location: 17p13.1.
Variant type: single nucleotide variant.
Coding change: c.25A>G on transcript NM_014804.3 (MANE Select); coding-DNA position 25, A replaced by G.
Protein change: p.Thr9Ala; replaces threonine 9 with alanine.
Molecular consequence: missense variant. On other transcripts: 5 prime UTR variant (1), non-coding transcript variant (3).
Genome position (GRCh38, 1-based): chr17:6,635,079, T>C on the plus strand (A>G on the coding strand, the complement: KIAA0753 is on the minus strand). VCF-style: chr17-6635079-T-C. GRCh37 (hg19) VCF-style: chr17-6538399-T-C.
Other names: c.-1210A>G (NM_001351225.2); c.25A>G (NM_014804.2); short protein forms T9A.
Identifiers: ClinVar variation 1366324 (VCV001366324.4), dbSNP rs61753437, ClinGen allele CA8330863.
Genomic context (GRCh38, chr17:6,635,079, plus strand): 5'-GAAGTACTTTGGGGTCGCTCCTCCCATCAAGTTGGGTCCTAGGTGCTAGATGAACACAGG[T>C]TGAAGCTGGCTGGCCTGGTCCCATAATGTCAGGTAGTACAGAACAATAGTGACAGCCTTG-3'
Protein context (NP_055619.2, residues 1-19): MGPGQPAS[Thr9Ala]CVHLAPRTQL

ClinVar aggregate classification (germline): Uncertain significance. Review status: criteria provided, multiple submitters, no conflicts (2 of 4 stars). 2 submissions from 2 submitters: Uncertain significance (2). Last evaluated 2024-12-24.

Conditions:
Inborn genetic diseases. Identifiers: MedGen C0950123, MeSH D030342.

Allele frequency attached by ClinVar (database versions not stated): gnomAD exomes 0.00002; ExAC 0.00003; gnomAD 0.00003 and 0.00004; TOPMed 0.00003; ESP Exome Variant Server 0.00008.
gnomAD v4.1: 40 of 1,613,814 alleles (0.0025%); highest among the groups gnomAD compares: African/African-American, 0.0067%; no homozygotes.

Submissions (2):

Ambry Genetics
Classification: Uncertain significance for Inborn genetic diseases. Last evaluated: 2024-12-24. Review status: criteria provided, single submitter. Criteria: Ambry Variant Classification Scheme 2023. Collection method: clinical testing. Allele origin: germline.

Labcorp Genetics (formerly Invitae), Labcorp
Classification: Uncertain significance. Last evaluated: 2022-04-16. Review status: criteria provided, single submitter. Criteria: Invitae Variant Classification Sherloc (09022015). Collection method: clinical testing. Allele origin: germline.
Comment: This sequence change replaces threonine, which is neutral and polar, with alanine, which is neutral and non-polar, at codon 9 of the KIAA0753 protein (p.Thr9Ala). This variant is present in population databases (rs61753437, gnomAD 0.02%). This variant has not been reported in the literature in individuals affected with KIAA0753-related conditions. Algorithms developed to predict the effect of missense changes on protein structure and function output the following: SIFT: "Tolerated"; PolyPhen-2: "Benign"; Align-GVGD: "Class C0". The alanine amino acid residue is found in multiple mammalian species, which suggests that this missense change does not adversely affect protein function. In summary, the available evidence is currently insufficient to determine the role of this variant in disease. Therefore, it has been classified as a Variant of Uncertain Significance.